The following is an entry in ClinVar:

ClinVar aggregate classification (germline): Conflicting classifications of pathogenicity. Review status: criteria provided, conflicting classifications (1 of 4 stars). 3 submissions from 3 submitters: Uncertain significance (2); Likely benign (1). Last evaluated 2025-12-05.

Conditions:
Charcot-Marie-Tooth disease axonal type 2O. Also called: Charcot-Marie-Tooth disease, axonal, type 20; Charcot-Marie-Tooth Neuropathy Type 2O; CHARCOT-MARIE-TOOTH NEUROPATHY, AXONAL, TYPE 2O; CHARCOT-MARIE-TOOTH DISEASE, AXONAL, AUTOSOMAL DOMINANT, TYPE 2O. Identifiers: Orphanet 284232, MedGen C3280220, MONDO:0013644, OMIM 614228.
Asphyxiating thoracic dystrophy 3. Also called: SHORT-RIB THORACIC DYSPLASIA 3 WITH OR WITHOUT POLYDACTYLY; POLYDACTYLY WITH NEONATAL CHONDRODYSTROPHY, TYPE I; Saldino-Noonan Syndrome; SHORT-RIB THORACIC DYSPLASIA 3/6 WITH POLYDACTYLY, DIGENIC; Short rib polydactyly syndrome 2B. Identifiers: Orphanet 474, Orphanet 93269, Orphanet 93270, Orphanet 93271, MedGen C0036069, MONDO:0013127, OMIM 613091.

Allele frequency attached by ClinVar (database versions not stated): TOPMed below 0.00001; ExAC 0.00001; gnomAD exomes 0.00001 and 0.00002.
gnomAD v4.1: 4 of 1,614,208 alleles (0.00025%); highest among the groups gnomAD compares: East Asian, 0.0045%; no homozygotes.

Submissions (3):

Labcorp Genetics (formerly Invitae), Labcorp
Classification: Likely benign for Charcot-Marie-Tooth disease axonal type 2O. Last evaluated: 2025-12-05. Review status: criteria provided, single submitter. Criteria: Invitae Variant Classification Sherloc (09022015). Collection method: clinical testing. Allele origin: germline.

Genomic Medicine Center of Excellence, King Faisal Specialist Hospital and Research Centre
Classification: Uncertain significance for Asphyxiating thoracic dystrophy 3. Last evaluated: 2025-09-10. Review status: criteria provided, single submitter. Criteria: ACMG Guidelines, 2015. Collection method: clinical testing. Allele origin: germline.

GeneDx
Classification: Uncertain significance. Last evaluated: 2015-09-23. Review status: criteria provided, single submitter. Criteria: GeneDx Variant Classification (06012015). Collection method: clinical testing. Allele origin: germline. Affected: yes.
Comment: The I1692V variant has not been published as a pathogenic variant, nor has it been reported as a benign variant to our knowledge. It was not observed in approximately 6,500 individuals of European and African American ancestry in the NHLBI Exome Sequencing Project, indicating it is not a common benign variant in these populations. This substitution occurs at a position that is conserved across species. However, the I1692V variant is a conservative amino acid substitution, which is not likely to impact secondary protein structure as these residues share similar properties. In silico analysis is inconsistent in its predictions as to whether or not the variant is damaging to the protein structure/function. Therefore, based on the currently available information, it is unclear whether this variant is a pathogenic variant or a rare benign variant.

NM_001376.5(DYNC1H1):c.5074A>G (p.Ile1692Val)

Gene: DYNC1H1 (dynein cytoplasmic 1 heavy chain 1; plus strand). Cytogenetic location: 14q32.31.
Variant type: single nucleotide variant.
Coding change: c.5074A>G on transcript NM_001376.5 (MANE Select); coding-DNA position 5074, A replaced by G.
Protein change: p.Ile1692Val; replaces isoleucine 1692 with valine.
Molecular consequence: missense variant.
Genome position (GRCh38, 1-based): chr14:102,004,786, A>G. VCF-style: chr14-102004786-A-G. GRCh37 (hg19) VCF-style: chr14-102471123-A-G.
Other names: short protein forms I1692V.
Identifiers: ClinVar variation 245936 (VCV000245936.9), dbSNP rs775895683, ClinGen allele CA7352353.